The following is an entry in ClinVar:

ClinVar aggregate classification (germline): Uncertain significance (1 of 4 stars; one submission).

Conditions:
Generalized epilepsy with febrile seizures plus, type 7 (GEFSP7). Also called: GEFS+, TYPE 7. Identifiers: Orphanet 36387, MedGen C2751778, MONDO:0013470, OMIM 613863.
Neuropathy, hereditary sensory and autonomic, type 2A (HSAN2A). Also called: ACROOSTEOLYSIS, GIACCAI TYPE; ACROOSTEOLYSIS, NEUROGENIC; MORVAN DISEASE; HSAN IIA; NEUROPATHY, CONGENITAL SENSORY; NEUROPATHY, HEREDITARY SENSORY RADICULAR, AUTOSOMAL RECESSIVE. Identifiers: Orphanet 970, MedGen C2752089, MONDO:0024309, OMIM 201300.

Allele frequency attached by ClinVar (database versions not stated): gnomAD exomes below 0.00001; ExAC 0.00001.
gnomAD v4.1: 3 of 1,613,950 alleles (0.00019%); highest among the groups gnomAD compares: Non-Finnish European, 0.00025%; no homozygotes.

Submission:

Labcorp Genetics (formerly Invitae), Labcorp
Classification: Uncertain significance for Neuropathy, hereditary sensory and autonomic, type 2A; Generalized epilepsy with febrile seizures plus, type 7. Last evaluated: 2022-10-24. Review status: criteria provided, single submitter. Criteria: Invitae Variant Classification Sherloc (09022015). Collection method: clinical testing. Allele origin: germline.
Comment: In summary, the available evidence is currently insufficient to determine the role of this variant in disease. Therefore, it has been classified as a Variant of Uncertain Significance. Algorithms developed to predict the effect of missense changes on protein structure and function (SIFT, PolyPhen-2, Align-GVGD) all suggest that this variant is likely to be disruptive. ClinVar contains an entry for this variant (Variation ID: 1475130). This variant has not been reported in the literature in individuals affected with SCN9A-related conditions. This variant is not present in population databases (gnomAD no frequency). This sequence change replaces arginine, which is basic and polar, with glutamine, which is neutral and polar, at codon 1608 of the SCN9A protein (p.Arg1608Gln).

NM_001365536.1(SCN9A):c.4856G>A (p.Arg1619Gln)

Genes: SCN1A-AS1 (SCN1A and SCN9A antisense RNA 1; plus strand), SCN9A (sodium voltage-gated channel alpha subunit 9; minus strand). Cytogenetic location: 2q24.3.
Variant type: single nucleotide variant.
Coding change: c.4856G>A on transcript NM_001365536.1 (MANE Select); coding-DNA position 4856, G replaced by A.
Protein change: p.Arg1619Gln; replaces arginine 1619 with glutamine.
Molecular consequence: missense variant. On other transcripts: non-coding transcript variant (1).
Genome position (GRCh38, 1-based): chr2:166,199,783, C>T on the plus strand (G>A on the coding strand, the complement: SCN9A is on the minus strand). VCF-style: chr2-166199783-C-T. GRCh37 (hg19) VCF-style: chr2-167056293-C-T.
Other names: c.4823G>A, p.Arg1608Gln (NM_002977.4); short protein forms R1608Q, R1619Q.
Identifiers: ClinVar variation 1475130 (VCV001475130.6), dbSNP rs142201175, ClinGen allele CA1943759.